The following is an entry in ClinVar:

NM_006231.4(POLE):c.6040G>C (p.Gly2014Arg)

Gene: POLE (DNA polymerase epsilon, catalytic subunit; minus strand). Cytogenetic location: 12q24.33.
Variant type: single nucleotide variant.
Coding change: c.6040G>C on transcript NM_006231.4 (MANE Select); coding-DNA position 6040, G replaced by C.
Protein change: p.Gly2014Arg; replaces glycine 2014 with arginine.
Molecular consequence: missense variant.
Genome position (GRCh38, 1-based): chr12:132,632,760, C>G on the plus strand (G>C on the coding strand, the complement: POLE is on the minus strand). VCF-style: chr12-132632760-C-G. GRCh37 (hg19) VCF-style: chr12-133209346-C-G.
Other names: c.6040G>C (NM_006231.2); short protein forms G2014R.
Identifiers: ClinVar variation 2749220 (VCV002749220.4), dbSNP rs767749736, ClinGen allele CA387370788.
Genomic context (GRCh38, chr12:132,632,760, plus strand): 5'-AGAGCTGGCTGGCCCCCCTCCTCCTCACGGGGGTGCTCCCTGGAGCACTGCGCCTCAGCC[C>G]GTCCTTCATGCAGTGGTACACGGCCACGATGTACGCTGTGGAGAGGCACACACACCACAG-3'
Protein context (NP_006222.2, residues 2004-2024): IVAVYHCMKD[Gly2014Arg]LRRSAPGSTP

ClinVar aggregate classification (germline): Conflicting classifications of pathogenicity. Review status: criteria provided, conflicting classifications (1 of 4 stars). 2 submissions from 2 submitters: Uncertain significance (1); Likely benign (1). Last evaluated 2026-03-02.

Conditions:
Hereditary cancer-predisposing syndrome. Also called: Tumor predisposition; Hereditary Cancer Syndrome; Hereditary neoplastic syndrome; Neoplastic Syndromes, Hereditary. Identifiers: Orphanet 140162, MedGen C0027672, MeSH D009386, MONDO:0015356.

gnomAD v4.1: 1 of 1,612,106 alleles (0.000062%); highest among the groups gnomAD compares: Non-Finnish European, 0.000085%; no homozygotes.

Submissions (2):

Ambry Genetics
Classification: Likely benign for Hereditary cancer-predisposing syndrome. Last evaluated: 2026-03-02. Review status: criteria provided, single submitter. Criteria: Ambry Variant Classification Scheme 2023. Collection method: clinical testing. Allele origin: germline.

Labcorp Genetics (formerly Invitae), Labcorp
Classification: Uncertain significance. Last evaluated: 2023-08-02. Review status: criteria provided, single submitter. Criteria: Invitae Variant Classification Sherloc (09022015). Collection method: clinical testing. Allele origin: germline.
Comment: In summary, the available evidence is currently insufficient to determine the role of this variant in disease. Therefore, it has been classified as a Variant of Uncertain Significance. Advanced modeling of protein sequence and biophysical properties (such as structural, functional, and spatial information, amino acid conservation, physicochemical variation, residue mobility, and thermodynamic stability) performed at Invitae indicates that this missense variant is not expected to disrupt POLE protein function. This variant has not been reported in the literature in individuals affected with POLE-related conditions. This variant is not present in population databases (gnomAD no frequency). This sequence change replaces glycine, which is neutral and non-polar, with arginine, which is basic and polar, at codon 2014 of the POLE protein (p.Gly2014Arg).